The following is an entry in ClinVar:

ClinVar aggregate classification (germline): Uncertain significance (1 of 4 stars; one submission).

Conditions:
Joubert syndrome 8 (JBTS8). Identifiers: Orphanet 475, MedGen C2676771, MONDO:0012855, OMIM 612291.

Submission:

Labcorp Genetics (formerly Invitae), Labcorp
Classification: Uncertain significance for Joubert syndrome 8. Last evaluated: 2019-04-24. Review status: criteria provided, single submitter. Criteria: Invitae Variant Classification Sherloc (09022015). Collection method: clinical testing. Allele origin: germline.
Comment: This sequence change replaces isoleucine with threonine at codon 78 of the ARL13B protein (p.Ile78Thr). The isoleucine residue is highly conserved and there is a moderate physicochemical difference between isoleucine and threonine. This variant is not present in population databases (ExAC no frequency). This variant has not been reported in the literature in individuals with ARL13B-related conditions. Algorithms developed to predict the effect of missense changes on protein structure and function are either unavailable or do not agree on the potential impact of this missense change (SIFT: "Deleterious"; PolyPhen-2: "Probably Damaging"; Align-GVGD: "Class C0"). In summary, the available evidence is currently insufficient to determine the role of this variant in disease. Therefore, it has been classified as a Variant of Uncertain Significance.

NM_001174150.2(ARL13B):c.233T>C (p.Ile78Thr)

Gene: ARL13B (ARF like GTPase 13B; plus strand). Cytogenetic location: 3q11.2.
Variant type: single nucleotide variant.
Coding change: c.233T>C on transcript NM_001174150.2 (MANE Select); coding-DNA position 233, T replaced by C.
Protein change: p.Ile78Thr; replaces isoleucine 78 with threonine.
Molecular consequence: missense variant. On other transcripts: 5 prime UTR variant (1), intron variant (1).
Genome position (GRCh38, 1-based): chr3:94,003,761, T>C. VCF-style: chr3-94003761-T-C. GRCh37 (hg19) VCF-style: chr3-93722605-T-C.
Other names: c.-77T>C (NM_001174151.2); c.188T>C, p.Ile63Thr (NM_001321328.2); c.233T>C, p.Ile78Thr (NM_182896.3); c.59+23279T>C (NM_144996.4); short protein forms I78T, I63T.
Identifiers: ClinVar variation 853231 (VCV000853231.6), dbSNP rs2076090139, ClinGen allele CA353675526.